The following is an entry in ClinVar:

NM_003816.3(ADAM9):c.1104G>T (p.Lys368Asn)

Gene: ADAM9 (ADAM metallopeptidase domain 9; plus strand). Cytogenetic location: 8p11.22.
Variant type: single nucleotide variant.
Coding change: c.1104G>T on transcript NM_003816.3 (MANE Select); coding-DNA position 1104, G replaced by T.
Protein change: p.Lys368Asn; replaces lysine 368 with asparagine.
Molecular consequence: missense variant. On other transcripts: non-coding transcript variant (3).
Genome position (GRCh38, 1-based): chr8:39,026,784, G>T. VCF-style: chr8-39026784-G-T. GRCh37 (hg19) VCF-style: chr8-38884303-G-T.
Other names: short protein forms K368N.
Identifiers: ClinVar variation 1390724 (VCV001390724.4), dbSNP rs200352143, ClinGen allele CA4721527.

ClinVar aggregate classification (germline): Uncertain significance. Review status: criteria provided, multiple submitters, no conflicts (2 of 4 stars). 2 submissions from 2 submitters: Uncertain significance (2). Last evaluated 2022-08-23.

Allele frequency attached by ClinVar (database versions not stated): gnomAD 0.00002 and 0.00005; gnomAD exomes 0.00010; ExAC 0.00013; 1000 Genomes Project 0.00040; 1000 Genomes Project 30x 0.00047.
gnomAD v4.1: 65 of 1,613,364 alleles (0.004%); highest among the groups gnomAD compares: East Asian, 0.091%; 1 homozygote.

Submissions (2):

Labcorp Genetics (formerly Invitae), Labcorp
Classification: Uncertain significance. Last evaluated: 2022-08-23. Review status: criteria provided, single submitter. Criteria: Invitae Variant Classification Sherloc (09022015). Collection method: clinical testing. Allele origin: germline.
Comment: This sequence change replaces lysine, which is basic and polar, with asparagine, which is neutral and polar, at codon 368 of the ADAM9 protein (p.Lys368Asn). This variant is present in population databases (rs200352143, gnomAD 0.09%). This variant has not been reported in the literature in individuals affected with ADAM9-related conditions. ClinVar contains an entry for this variant (Variation ID: 1390724). Algorithms developed to predict the effect of missense changes on protein structure and function (SIFT, PolyPhen-2, Align-GVGD) all suggest that this variant is likely to be tolerated. In summary, the available evidence is currently insufficient to determine the role of this variant in disease. Therefore, it has been classified as a Variant of Uncertain Significance.

Blueprint Genetics
Classification: Uncertain significance. Last evaluated: 2020-09-29. Review status: criteria provided, single submitter. Criteria: ACMG Guidelines, 2015. Collection method: clinical testing. Allele origin: germline.